The following is an entry in ClinVar:

ClinVar aggregate classification (germline): Likely benign (0 of 4 stars; one submission).

Conditions:
ITSN2-related disorder. Also called: ITSN2-related condition.

Allele frequency attached by ClinVar (database versions not stated): gnomAD exomes 0.00001.
gnomAD v4.1: 12 of 1,579,236 alleles (0.00076%); highest among the groups gnomAD compares: Non-Finnish European, 0.001%; no homozygotes.

Submission:

PreventionGenetics, part of Exact Sciences
Classification: Likely benign for ITSN2-related condition. Last evaluated: 2022-04-15. Review status: no assertion criteria provided. Collection method: clinical testing. Allele origin: germline.
Comment: This variant is classified as likely benign based on ACMG/AMP sequence variant interpretation guidelines (Richards et al. 2015 PMID: 25741868, with internal and published modifications).

NM_006277.3(ITSN2):c.857+3A>G

Gene: ITSN2 (intersectin 2; minus strand). Cytogenetic location: 2p23.3.
Variant type: single nucleotide variant.
Coding change: c.857+3A>G on transcript NM_006277.3 (MANE Select); 3 bases into the intron after coding-DNA position 857, A replaced by G.
Molecular consequence: intron variant.
Genome position (GRCh38, 1-based): chr2:24,303,796, T>C on the plus strand (A>G on the coding strand, the complement: ITSN2 is on the minus strand). VCF-style: chr2-24303796-T-C. GRCh37 (hg19) VCF-style: chr2-24526665-T-C.
Other names: c.857+3A>G (NM_001348182.2, NM_019595.4, NM_147152.3 and 3 more transcripts); c.815+3A>G (NM_001348181.2, NM_001348184.2).
Identifiers: ClinVar variation 3048963 (VCV003048963.2), dbSNP rs769229593, ClinGen allele CA43618008.